The following is an entry in ClinVar:

ClinVar aggregate classification (germline): Uncertain significance (1 of 4 stars; one submission).

Submission:

GeneDx
Classification: Uncertain significance. Last evaluated: 2025-07-11. Review status: criteria provided, single submitter. Criteria: GeneDx Variant Classification Process June 2021. Collection method: clinical testing. Allele origin: germline. Affected: yes.
Comment: Not observed at significant frequency in large population cohorts (gnomAD); Frameshift variant predicted to result in protein truncation or nonsense mediated decay in a gene or region of a gene for which loss of function is not a well-established mechanism of disease; Has not been previously published as pathogenic or benign to our knowledge

NM_001267550.2(TTN):c.39694del (p.Ser13232fs)

Gene: TTN (titin; minus strand). Cytogenetic location: 2q31.2.
Variant type: Deletion.
Coding change: c.39694del on transcript NM_001267550.2 (MANE Select); coding-DNA position 39694, one base deleted (T; older notation c.39694delT).
Protein change: p.Ser13232fs; shifts the reading frame from serine 13232.
Molecular consequence: frameshift variant. On other transcripts: intron variant (3).
Genome position (GRCh38, 1-based): chr2:178,650,766, A deleted on the plus strand (T on the coding strand, the reverse complement: TTN is on the minus strand). VCF-style (leftmost placement, unchanged base first): chr2-178650765-GA-G. GRCh37 (hg19) VCF-style: chr2-179515492-GA-G.
Other names: c.35173del, p.Ser11725fs (NM_001256850.1); c.39694delT, p.Ser13232Leufs (NM_001267550.1); c.32392del, p.Ser10798fs (NM_133378.4); c.13283-8449del (NM_003319.4); c.13859-8449del (NM_133437.4); c.13658-8449del (NM_133432.3); short protein forms S10798fs, S11725fs, S13232fs.
Identifiers: ClinVar variation 4685282 (VCV004685282.1).